The following is an entry in ClinVar:

ClinVar aggregate classification (germline): Conflicting classifications of pathogenicity. Review status: criteria provided, conflicting classifications (1 of 4 stars). 7 submissions from 7 submitters: Uncertain significance (1); Likely benign (5). 1 of the submissions does not count toward it. Last evaluated 2025-11-03.

Conditions:
Hereditary cancer-predisposing syndrome. Also called: Neoplastic Syndromes, Hereditary; Tumor predisposition; Hereditary Cancer Syndrome; Hereditary neoplastic syndrome. Identifiers: Orphanet 140162, MedGen C0027672, MeSH D009386, MONDO:0015356.
Neurofibromatosis, type 2 (SWNV). Also called: BILATERAL ACOUSTIC NEUROFIBROMATOSIS; NF2-Related Schwannomatosis; SCHWANNOMATOSIS, VESTIBULAR. Identifiers: Orphanet 637, MedGen C0027832, MONDO:0007039, OMIM 101000. Disease mechanism: loss of function.
NF2-related disorder. Also called: NF2-related condition.

Allele frequency attached by ClinVar (database versions not stated): ExAC 0.00001; gnomAD 0.00001; gnomAD exomes 0.00001; TOPMed 0.00002; 1000 Genomes Project 30x 0.00016; 1000 Genomes Project 0.00020.
gnomAD v4.1: 33 of 1,613,498 alleles (0.002%); highest among the groups gnomAD compares: East Asian, 0.0045%; no homozygotes.

Submissions (7):

Labcorp Genetics (formerly Invitae), Labcorp
Classification: Likely benign for Neurofibromatosis, type 2. Last evaluated: 2025-11-03. Review status: criteria provided, single submitter. Criteria: Invitae Variant Classification Sherloc (09022015). Collection method: clinical testing. Allele origin: germline.

Blueprint Genetics
Classification: Likely benign. Last evaluated: 2024-11-21. Review status: criteria provided, single submitter. Criteria: ACMG Guidelines, 2015. Collection method: clinical testing. Allele origin: germline.

Color Diagnostics, LLC DBA Color Health
Classification: Likely benign for Neurofibromatosis, type 2. Last evaluated: 2022-11-06. Review status: criteria provided, single submitter. Criteria: ACMG Guidelines, 2015. Collection method: clinical testing. Allele origin: germline.

Genome-Nilou Lab
Classification: Likely benign for Neurofibromatosis, type 2. Last evaluated: 2021-11-07. Review status: criteria provided, single submitter. Criteria: ACMG Guidelines, 2015. Collection method: clinical testing. Allele origin: germline. Affected: no.

Ambry Genetics
Classification: Likely benign for Hereditary cancer-predisposing syndrome. Last evaluated: 2018-12-26. Review status: criteria provided, single submitter. Criteria: Ambry Variant Classification Scheme 2023. Collection method: clinical testing. Allele origin: germline.

Illumina Laboratory Services, Illumina
Classification: Uncertain significance for Neurofibromatosis, type 2. Last evaluated: 2018-01-13. Review status: criteria provided, single submitter. Criteria: ICSL Variant Classification Criteria 13 December 2019. Collection method: clinical testing. Allele origin: germline.

PreventionGenetics, part of Exact Sciences
Classification: Likely benign for NF2-related condition. Last evaluated: 2019-07-13. Review status: no assertion criteria provided. Collection method: clinical testing. Allele origin: germline. Not counted in ClinVar's aggregate classification.
Comment: This variant is classified as likely benign based on ACMG/AMP sequence variant interpretation guidelines (Richards et al. 2015 PMID: 25741868, with internal and published modifications).

NM_000268.4(NF2):c.903C>T (p.Ile301=)

Gene: NF2 (NF2, moesin-ezrin-radixin like (MERLIN) tumor suppressor; plus strand). Cytogenetic location: 22q12.2.
Variant type: single nucleotide variant.
Coding change: c.903C>T on transcript NM_000268.4 (MANE Select); coding-DNA position 903, C replaced by T.
Protein change: p.Ile301=; no amino-acid change (isoleucine 301 retained).
Molecular consequence: synonymous variant. On other transcripts: non-coding transcript variant (1), intron variant (1).
Genome position (GRCh38, 1-based): chr22:29,668,350, C>T. VCF-style: chr22-29668350-C-T. GRCh37 (hg19) VCF-style: chr22-30064339-C-T.
Other names: c.903C>T (NM_181832.2); c.903C>T, p.Ile301= (NM_016418.5, NM_181825.3, NM_181832.3); c.777C>T, p.Ile259= (NM_181828.3); c.780C>T, p.Ile260= (NM_181829.3); c.654C>T, p.Ile218= (NM_181830.3, NM_181831.3); c.447+26065C>T (NM_181833.3).
Identifiers: ClinVar variation 341071 (VCV000341071.26), dbSNP rs199957176, ClinGen allele CA035887.